The following is an entry in ClinVar:

NM_194248.3(OTOF):c.3895-1G>A

Gene: OTOF (otoferlin; minus strand). Cytogenetic location: 2p23.3.
Variant type: single nucleotide variant.
Coding change: c.3895-1G>A on transcript NM_194248.3 (MANE Select); the canonical splice acceptor site of the intron before coding-DNA position 3895, G replaced by A.
Molecular consequence: splice acceptor variant.
Genome position (GRCh38, 1-based): chr2:26,470,722, C>T on the plus strand (G>A on the coding strand, the complement: OTOF is on the minus strand). VCF-style: chr2-26470722-C-T. GRCh37 (hg19) VCF-style: chr2-26693590-C-T.
Other names: c.3895-1G>A (NM_001287489.2); c.1594-1G>A (NM_194323.3, NM_004802.4); c.1825-1G>A (NM_194322.3).
Identifiers: ClinVar variation 2809369 (VCV002809369.3), dbSNP rs2465550514, ClinGen allele CA346100777.
Genomic context (GRCh38, chr2:26,470,722, plus strand): 5'-CTCCTCTGGCTCCTCCGCAGTGCCCTTCTTCTTCTTCTTCTTCTCCTTCTCCTCCTCAGC[C>T]TGCAGGTTGGCCAGGTCCAGAGTCCTACATGGACTCCTCCTGCCTGGACAATCCCGAGAG-3'

ClinVar aggregate classification (germline): Likely pathogenic (1 of 4 stars; one submission).

Submission:

Labcorp Genetics (formerly Invitae), Labcorp
Classification: Likely pathogenic. Last evaluated: 2023-11-02. Review status: criteria provided, single submitter. Criteria: Invitae Variant Classification Sherloc (09022015). Collection method: clinical testing. Allele origin: germline.
Comment: This sequence change affects an acceptor splice site in intron 31 of the OTOF gene. It is expected to disrupt RNA splicing. Variants that disrupt the donor or acceptor splice site typically lead to a loss of protein function (PMID: 16199547), and loss-of-function variants in OTOF are known to be pathogenic (PMID: 18381613, 19250381, 22575033). This variant is not present in population databases (gnomAD no frequency). This variant has not been reported in the literature in individuals affected with OTOF-related conditions. Algorithms developed to predict the effect of sequence changes on RNA splicing suggest that this variant may disrupt the consensus splice site. In summary, the currently available evidence indicates that the variant is pathogenic, but additional data are needed to prove that conclusively. Therefore, this variant has been classified as Likely Pathogenic.

Literature cited by the submitters: PubMed 16199547; PubMed 18381613; PubMed 19250381; PubMed 22575033.